The following is an entry in ClinVar:

NM_001281740.3(FHOD3):c.47C>T (p.Pro16Leu)

Gene: FHOD3 (formin homology 2 domain containing 3; plus strand). Cytogenetic location: 18q12.2.
Variant type: single nucleotide variant.
Coding change: c.47C>T on transcript NM_001281740.3 (MANE Select); coding-DNA position 47, C replaced by T.
Protein change: p.Pro16Leu; replaces proline 16 with leucine.
Molecular consequence: missense variant.
Genome position (GRCh38, 1-based): chr18:36,297,882, C>T. VCF-style: chr18-36297882-C-T. GRCh37 (hg19) VCF-style: chr18-33877845-C-T.
Other names: c.47C>T, p.Pro16Leu (NM_001281739.3, NM_025135.5); short protein forms P16L.
Identifiers: ClinVar variation 4990175 (VCV004990175.1).
Genomic context (GRCh38, chr18:36,297,882, plus strand): 5'-GGCAGGGATGCATCATGGCCACGCTGGCTTGCCGGGTGCAGTTCTTGGACGACACGGACC[C>T]TTTCAACAGCACCAACTTCCCCGAGCCCAGCCGGCCGCCGCTGTTCACGTTCCGCGAGGA-3'
Protein context (NP_001268669.1, residues 6-26): CRVQFLDDTD[Pro16Leu]FNSTNFPEPS

ClinVar aggregate classification (germline): Uncertain significance (1 of 4 stars; one submission).

Conditions:
FHOD3-related disorder. Also called: FHOD3-related condition.

gnomAD v4.1: 6 of 1,556,372 alleles (0.00039%); highest among the groups gnomAD compares: African/African-American, 0.0083%; no homozygotes.

Submission:

PreventionGenetics, part of Exact Sciences
Classification: Uncertain significance for FHOD3-related condition. Last evaluated: 2026-05-19. Review status: criteria provided, single submitter. Criteria: ACMG Guidelines, 2015. Collection method: clinical testing. Allele origin: germline.
Comment: The FHOD3 c.47C>T variant is predicted to result in the amino acid substitution p.Pro16Leu. To our knowledge, this variant has not been reported in the literature. This variant is reported in 0.012% of alleles in individuals of African descent in gnomAD. At this time, the clinical significance of this variant is uncertain due to the absence of conclusive functional and genetic evidence.